The following is an entry in ClinVar:

NM_001082971.2(DDC):c.1264G>A (p.Ala422Thr)

Gene: DDC (dopa decarboxylase; minus strand). Cytogenetic location: 7p12.2.
Variant type: single nucleotide variant.
Coding change: c.1264G>A on transcript NM_001082971.2 (MANE Select); coding-DNA position 1264, G replaced by A.
Protein change: p.Ala422Thr; replaces alanine 422 with threonine.
Molecular consequence: missense variant.
Genome position (GRCh38, 1-based): chr7:50,463,410, C>T on the plus strand (G>A on the coding strand, the complement: DDC is on the minus strand). VCF-style: chr7-50463410-C-T. GRCh37 (hg19) VCF-style: chr7-50531108-C-T.
Other names: c.1264G>A, p.Ala422Thr (NM_000790.4); c.1150G>A, p.Ala384Thr (NM_001242886.2); c.1120G>A, p.Ala374Thr (NM_001242887.2); c.1030G>A, p.Ala344Thr (NM_001242888.2); c.985G>A, p.Ala329Thr (NM_001242889.2); short protein forms A344T, A384T, A329T, A374T, A422T.
Identifiers: ClinVar variation 2128386 (VCV002128386.4), dbSNP rs758882964, ClinGen allele CA4261999.

ClinVar aggregate classification (germline): Uncertain significance (1 of 4 stars; one submission).

Conditions:
Deficiency of aromatic-L-amino-acid decarboxylase. Also called: AADC DEFICIENCY; DDC DEFICIENCY; DOPA DECARBOXYLASE DEFICIENCY; Aromatic L-Amino Acid Decarboxylase Deficiency; Aromatic amino acid decarboxylase deficiency. Identifiers: Orphanet 35708, MedGen C1291564, MONDO:0012084, OMIM 608643.

Allele frequency attached by ClinVar (database versions not stated): TOPMed below 0.00001; gnomAD exomes 0.00001; ExAC 0.00002.
gnomAD v4.1: 5 of 1,614,158 alleles (0.00031%); highest among the groups gnomAD compares: East Asian, 0.011%; no homozygotes.

Submission:

Labcorp Genetics (formerly Invitae), Labcorp
Classification: Uncertain significance for Deficiency of aromatic-L-amino-acid decarboxylase. Last evaluated: 2022-07-18. Review status: criteria provided, single submitter. Criteria: Invitae Variant Classification Sherloc (09022015). Collection method: clinical testing. Allele origin: germline.
Comment: This variant is present in population databases (rs758882964, gnomAD 0.01%). In summary, the available evidence is currently insufficient to determine the role of this variant in disease. Therefore, it has been classified as a Variant of Uncertain Significance. Algorithms developed to predict the effect of missense changes on protein structure and function output the following: SIFT: "Tolerated"; PolyPhen-2: "Benign"; Align-GVGD: "Class C0". The threonine amino acid residue is found in multiple mammalian species, which suggests that this missense change does not adversely affect protein function. This variant has not been reported in the literature in individuals affected with DDC-related conditions. This sequence change replaces alanine, which is neutral and non-polar, with threonine, which is neutral and polar, at codon 422 of the DDC protein (p.Ala422Thr).